The following is an entry in ClinVar:

NM_018319.4(TDP1):c.-230-4G>T

Gene: TDP1 (tyrosyl-DNA phosphodiesterase 1; plus strand). Cytogenetic location: 14q32.11.
Variant type: single nucleotide variant.
Coding change: c.-230-4G>T on transcript NM_018319.4 (MANE Select); 4 bases into the intron before 230 bases upstream of the start codon, G replaced by T.
Molecular consequence: intron variant.
Genome position (GRCh38, 1-based): chr14:89,956,574, G>T. VCF-style: chr14-89956574-G-T. GRCh37 (hg19) VCF-style: chr14-90422918-G-T.
Other names: c.-8+296G>T (NM_001330205.2); c.-8+604G>T (NM_001008744.2).
Identifiers: ClinVar variation 314816 (VCV000314816.5), dbSNP rs28365053, ClinGen allele CA10646503.
Genomic context (GRCh38, chr14:89,956,574, plus strand): 5'-TCCGTCCCCAACGCCTTCAGCAAGAGCCCTCTCACTTCCTTTGTCTTCAACCCATTCTCC[G>T]CAGAGTTGGAGCACACAGCTGTATTAAAAAGGCAAATCGAAGGCCGGGCGCGGTGACTCA-3'

ClinVar aggregate classification (germline): Benign (1 of 4 stars; one submission).

Conditions:
Spinocerebellar ataxia, autosomal recessive, with axonal neuropathy 1 (SCAN1). Identifiers: Orphanet 94124, MedGen C4759870, MONDO:0011801, OMIM 607250.

Allele frequency attached by ClinVar (database versions not stated): 1000 Genomes Project 30x 0.02327; gnomAD 0.01666; TOPMed 0.01813; 1000 Genomes Project 0.02256.

Submission:

Illumina Laboratory Services, Illumina
Classification: Benign for Spinocerebellar ataxia, autosomal recessive, with axonal neuropathy 1. Last evaluated: 2018-01-12. Review status: criteria provided, single submitter. Criteria: ICSL Variant Classification Criteria 13 December 2019. Collection method: clinical testing. Allele origin: germline.
Comment: This variant was observed in the ICSL laboratory as part of a predisposition screen in an ostensibly healthy population. It had not been previously curated by ICSL or reported in the Human Gene Mutation Database (HGMD: prior to June 1st, 2018), and was therefore a candidate for classification through an automated scoring system. Utilizing variant allele frequency, disease prevalence and penetrance estimates, and inheritance mode, an automated score was calculated to assess if this variant is too frequent to cause the disease. Based on the score and internal cut-off values, a variant classified as benign is not then subjected to further curation. The score for this variant resulted in a classification of benign for this disease.